The following is an entry in ClinVar:

NM_152703.5(SAMD9L):c.196C>A (p.Leu66Ile)

Gene: SAMD9L (sterile alpha motif domain containing 9 like; minus strand). Cytogenetic location: 7q21.2.
Variant type: single nucleotide variant.
Coding change: c.196C>A on transcript NM_152703.5 (MANE Select); coding-DNA position 196, C replaced by A.
Protein change: p.Leu66Ile; replaces leucine 66 with isoleucine.
Molecular consequence: missense variant.
Genome position (GRCh38, 1-based): chr7:93,135,776, G>T on the plus strand (C>A on the coding strand, the complement: SAMD9L is on the minus strand). VCF-style: chr7-93135776-G-T. GRCh37 (hg19) VCF-style: chr7-92765089-G-T.
Other names: c.196C>A, p.Leu66Ile (NM_001303496.3, NM_001303497.3, NM_001303498.3 and 5 more transcripts); c.196C>A (NM_152703.2); short protein forms L66I.
Identifiers: ClinVar variation 1392899 (VCV001392899.7), dbSNP rs187286856, ClinGen allele CA4343912.

ClinVar aggregate classification (germline): Uncertain significance. Review status: criteria provided, multiple submitters, no conflicts (2 of 4 stars). 2 submissions from 2 submitters: Uncertain significance (2). Last evaluated 2025-03-06.

Conditions:
Inborn genetic diseases. Identifiers: MedGen C0950123, MeSH D030342.

Submissions (2):

Ambry Genetics
Classification: Uncertain significance for Inborn genetic diseases. Last evaluated: 2025-03-06. Review status: criteria provided, single submitter. Criteria: Ambry Variant Classification Scheme 2023. Collection method: clinical testing. Allele origin: germline.
Comment: The p.L66I variant (also known as c.196C>A), located in coding exon 1 of the SAMD9L gene, results from a C to A substitution at nucleotide position 196. The leucine at codon 66 is replaced by isoleucine, an amino acid with highly similar properties. This amino acid position is conserved. In addition, this alteration is predicted to be tolerated by in silico analysis. Based on the available evidence, the clinical significance of this variant remains unclear.

Labcorp Genetics (formerly Invitae), Labcorp
Classification: Uncertain significance. Last evaluated: 2023-01-03. Review status: criteria provided, single submitter. Criteria: Invitae Variant Classification Sherloc (09022015). Collection method: clinical testing. Allele origin: germline.
Comment: This variant has not been reported in the literature in individuals affected with SAMD9L-related conditions. This variant is present in population databases (rs187286856, gnomAD 0.01%). This sequence change replaces leucine, which is neutral and non-polar, with isoleucine, which is neutral and non-polar, at codon 66 of the SAMD9L protein (p.Leu66Ile). ClinVar contains an entry for this variant (Variation ID: 1392899). In summary, the available evidence is currently insufficient to determine the role of this variant in disease. Therefore, it has been classified as a Variant of Uncertain Significance. Algorithms developed to predict the effect of missense changes on protein structure and function output the following: SIFT: "Not Available"; PolyPhen-2: "Benign"; Align-GVGD: "Not Available". The isoleucine amino acid residue is found in multiple mammalian species, which suggests that this missense change does not adversely affect protein function.